The following is an entry in ClinVar:

ClinVar aggregate classification (germline): Pathogenic (1 of 4 stars; one submission).

Conditions:
X-linked agammaglobulinemia with growth hormone deficiency (IGHD3). Also called: AGAMMAGLOBULINEMIA AND ISOLATED GROWTH HORMONE DEFICIENCY, X-LINKED; FLEISHER SYNDROME; Isolated growth hormone deficiency type 3; Growth hormone deficiency with hypogammaglobulinemia; HYPOGAMMAGLOBULINEMIA AND ISOLATED GROWTH HORMONE DEFICIENCY, X-LINKED; IGHD III. Identifiers: Orphanet 231692, Orphanet 631, MedGen C0472813, MONDO:0010615, OMIM 307200.

Submission:

Labcorp Genetics (formerly Invitae), Labcorp
Classification: Pathogenic for X-linked agammaglobulinemia with growth hormone deficiency. Last evaluated: 2025-12-10. Review status: criteria provided, single submitter. Criteria: Invitae Variant Classification Sherloc (09022015). Collection method: clinical testing. Allele origin: germline.
Comment: This sequence change creates a premature translational stop signal (p.Gln260*) in the BTK gene. It is expected to result in an absent or disrupted protein product. Loss-of-function variants in BTK are known to be pathogenic (PMID: 15661032, 16862044, 19419768). This variant is not present in population databases (gnomAD no frequency). This premature translational stop signal has been observed in individual(s) with X-linked agammaglobulinemia (PMID: 10612838). ClinVar contains an entry for this variant (Variation ID: 2737300). For these reasons, this variant has been classified as Pathogenic.

Literature cited by the submitters: PubMed 15661032; PubMed 16862044; PubMed 19419768; PubMed 10612838.

NM_000061.3(BTK):c.778C>T (p.Gln260Ter)

Gene: BTK (Bruton tyrosine kinase; minus strand). Cytogenetic location: Xq22.1.
Variant type: single nucleotide variant.
Coding change: c.778C>T on transcript NM_000061.3 (MANE Select); coding-DNA position 778, C replaced by T.
Protein change: p.Gln260Ter; replaces glutamine 260 with a stop codon.
Molecular consequence: nonsense.
Genome position (GRCh38, 1-based): chrX:101,360,149, G>A on the plus strand (C>T on the coding strand, the complement: BTK is on the minus strand). VCF-style: chrX-101360149-G-A. GRCh37 (hg19) VCF-style: chrX-100615137-G-A.
Other names: c.880C>T, p.Gln294Ter (NM_001287344.2); c.778C>T, p.Gln260Ter (NM_001287345.2); short protein forms Q260*, Q294*.
Identifiers: ClinVar variation 2737300 (VCV002737300.3), dbSNP rs2147431970, ClinGen allele CA413931357.